The following is an entry in ClinVar:

ClinVar aggregate classification (germline): Benign/Likely benign. Review status: criteria provided, multiple submitters, no conflicts (2 of 4 stars). 2 submissions from 2 submitters: Benign (1); Likely benign (1). Last evaluated 2024-11-26.

Submissions (2):

Blueprint Genetics
Classification: Likely benign. Last evaluated: 2024-11-26. Review status: criteria provided, single submitter. Criteria: ACMG Guidelines, 2015. Collection method: clinical testing. Allele origin: germline.

Mayo Clinic Laboratories, Mayo Clinic
Classification: Benign. Last evaluated: 2024-11-08. Review status: criteria provided, single submitter. Criteria: ACMG Guidelines, 2015. Collection method: clinical testing. Allele origin: germline. Observed: 15 variant alleles.
Comment: BS1, BS2, BP4, BP7

NM_000642.3(AGL):c.959-18_959-17insAAAATAGTGACAGTTTTAATCTCTTTGTAGATATTTGCATTTAAGGTATCA

Gene: AGL (amylo-alpha-1,6-glucosidase and 4-alpha-glucanotransferase; plus strand). Cytogenetic location: 1p21.2.
Variant type: Insertion.
Coding change: c.959-18_959-17insAAAATAGTGACAGTTTTAATCTCTTTGTAGATATTTGCATTTAAGGTATCA on transcript NM_000642.3 (MANE Select); 18 bases into the intron before coding-DNA position 959 through 17 bases into the intron before coding-DNA position 959, AAAATAGTGACAGTTTTAATCTCTTTGTAGATATTTGCATTTAAGGTATCA inserted.
Molecular consequence: intron variant.
Genome position: GRCh38: chr1:99,874,669-99,874,670. GRCh37 (hg19): chr1:100,340,225-100,340,226.
Other names: p.?; c.959-18_959-17insAAAATAGTGACAGTTTTAATCTCTTTGTAGATATTTGCATTTAAGGTATCA (NM_000643.3, NM_000644.3, NM_001425326.1 and 3 more transcripts); c.911-18_911-17insAAAATAGTGACAGTTTTAATCTCTTTGTAGATATTTGCATTTAAGGTATCA (NM_000646.3); c.755-18_755-17insAAAATAGTGACAGTTTTAATCTCTTTGTAGATATTTGCATTTAAGGTATCA (NM_001425328.1, NM_001425329.1); c.581-18_581-17insAAAATAGTGACAGTTTTAATCTCTTTGTAGATATTTGCATTTAAGGTATCA (NM_001425332.1).
Identifiers: ClinVar variation 4683314 (VCV004683314.2).